The following is an entry in ClinVar:

ClinVar aggregate classification (germline): Likely pathogenic (1 of 4 stars; one submission).

Conditions:
TH-deficient dopa-responsive dystonia. Also called: Tyrosine Hydroxylase-Deficient Dopa-Responsive Dystonia; Segawa syndrome, autosomal recessive; DYT-TH. Identifiers: Orphanet 101150, MedGen C2673535, MONDO:0011551, OMIM 605407.

Submission:

Labcorp Genetics (formerly Invitae), Labcorp
Classification: Likely pathogenic for TH-deficient dopa-responsive dystonia. Last evaluated: 2022-09-14. Review status: criteria provided, single submitter. Criteria: Invitae Variant Classification Sherloc (09022015). Collection method: clinical testing. Allele origin: germline.
Comment: This sequence change affects an acceptor splice site in intron 5 of the TH gene. It is expected to disrupt RNA splicing. Variants that disrupt the donor or acceptor splice site typically lead to a loss of protein function (PMID: 16199547), and loss-of-function variants in TH are known to be pathogenic (PMID: 22264700, 24753243). This variant is not present in population databases (gnomAD no frequency). This variant has not been reported in the literature in individuals affected with TH-related conditions. Algorithms developed to predict the effect of sequence changes on RNA splicing suggest that this variant may disrupt the consensus splice site. In summary, the currently available evidence indicates that the variant is pathogenic, but additional data are needed to prove that conclusively. Therefore, this variant has been classified as Likely Pathogenic.

Literature cited by the submitters: PubMed 16199547; PubMed 22264700; PubMed 24753243.

NM_000360.4(TH):c.577-2A>G

Gene: TH (tyrosine hydroxylase; minus strand). Cytogenetic location: 11p15.5.
Variant type: single nucleotide variant.
Coding change: c.577-2A>G on transcript NM_000360.4 (MANE Select); the canonical splice acceptor site of the intron before coding-DNA position 577, A replaced by G.
Molecular consequence: splice acceptor variant.
Genome position (GRCh38, 1-based): chr11:2,167,935, T>C on the plus strand (A>G on the coding strand, the complement: TH is on the minus strand). VCF-style: chr11-2167935-T-C. GRCh37 (hg19) VCF-style: chr11-2189165-T-C.
Other names: c.658-2A>G (NM_199293.3); c.670-2A>G (NM_199292.3).
Identifiers: ClinVar variation 2030389 (VCV002030389.4), dbSNP rs2495816041, ClinGen allele CA379128272.